The following is an entry in ClinVar:

NM_000095.3(COMP):c.1254G>T (p.Gln418His)

Gene: COMP (cartilage oligomeric matrix protein; minus strand). Cytogenetic location: 19p13.11.
Variant type: single nucleotide variant.
Coding change: c.1254G>T on transcript NM_000095.3 (MANE Select); coding-DNA position 1254, G replaced by T.
Protein change: p.Gln418His; replaces glutamine 418 with histidine.
Molecular consequence: missense variant.
Genome position (GRCh38, 1-based): chr19:18,786,532, C>A on the plus strand (G>T on the coding strand, the complement: COMP is on the minus strand). VCF-style: chr19-18786532-C-A. GRCh37 (hg19) VCF-style: chr19-18897342-C-A.
Other names: short protein forms Q418H.
Identifiers: ClinVar variation 2890461 (VCV002890461.3), dbSNP rs375908187, ClinGen allele CA9316488.

ClinVar aggregate classification (germline): Uncertain significance (1 of 4 stars; one submission).

Allele frequency attached by ClinVar (database versions not stated): ExAC 0.00002; gnomAD 0.00004; TOPMed 0.00007; ESP Exome Variant Server 0.00008.
gnomAD v4.1: 11 of 1,613,448 alleles (0.00068%); highest among the groups gnomAD compares: African/African-American, 0.013%; no homozygotes.

Submission:

Labcorp Genetics (formerly Invitae), Labcorp
Classification: Uncertain significance. Last evaluated: 2023-10-24. Review status: criteria provided, single submitter. Criteria: Invitae Variant Classification Sherloc (09022015). Collection method: clinical testing. Allele origin: germline.
Comment: This sequence change replaces glutamine, which is neutral and polar, with histidine, which is basic and polar, at codon 418 of the COMP protein (p.Gln418His). This variant also falls at the last nucleotide of exon 11, which is part of the consensus splice site for this exon. This variant is present in population databases (rs375908187, gnomAD 0.03%). This variant has not been reported in the literature in individuals affected with COMP-related conditions. An algorithm developed to predict the effect of missense changes on protein structure and function (PolyPhen-2) suggests that this variant is likely to be disruptive. Variants that disrupt the consensus splice site are a relatively common cause of aberrant splicing (PMID: 17576681, 9536098). Algorithms developed to predict the effect of sequence changes on RNA splicing suggest that this variant may disrupt the consensus splice site. In summary, the available evidence is currently insufficient to determine the role of this variant in disease. Therefore, it has been classified as a Variant of Uncertain Significance.

Literature cited by the submitters: PubMed 17576681; PubMed 9536098.